The following is an entry in ClinVar:

ClinVar aggregate classification (germline): Pathogenic (1 of 4 stars; one submission).

Submission:

CeGaT Center for Human Genetics Tuebingen
Classification: Pathogenic. Last evaluated: 2025-05-01. Review status: criteria provided, single submitter. Criteria: CeGaT Center For Human Genetics Tuebingen Variant Classification Criteria Version 2. Collection method: clinical testing. Allele origin: germline. Affected: yes. Observed: 1 variant allele.
Comment: IQSEC2: PVS1, PM2, PS2:Supporting

NM_001111125.3(IQSEC2):c.2297+1G>A

Gene: IQSEC2 (IQ motif and Sec7 domain ArfGEF 2; minus strand). Cytogenetic location: Xp11.22.
Variant type: single nucleotide variant.
Coding change: c.2297+1G>A on transcript NM_001111125.3 (MANE Select); the canonical splice donor site of the intron after coding-DNA position 2297, G replaced by A.
Molecular consequence: splice donor variant.
Genome position (GRCh38, 1-based): chrX:53,250,278, C>T on the plus strand (G>A on the coding strand, the complement: IQSEC2 is on the minus strand). VCF-style: chrX-53250278-C-T. GRCh37 (hg19) VCF-style: chrX-53279460-C-T.
Other names: c.2297+1G>A (NM_001410736.1); c.1682+1G>A (NM_015075.2).
Identifiers: ClinVar variation 3905945 (VCV003905945.10).
Genomic context (GRCh38, chrX:53,250,278, plus strand): 5'-GAACCCAAGTGCATGTGGCAGGGTAGGAAGGGGTAAGCAGGCTAGAACGGGGAGCACGCA[C>T]TTGTTGAAGAGGTTGAGGCCGATTCGGTAGTGCCGCCTCTGGACCACATCATTGTTGAAA-3'